The following is an entry in ClinVar:

NM_001384474.1(LOXHD1):c.6339T>C (p.Asn2113=)

Gene: LOXHD1 (lipoxygenase homology PLAT domains 1; minus strand). Cytogenetic location: 18q21.1.
Variant type: single nucleotide variant.
Coding change: c.6339T>C on transcript NM_001384474.1 (MANE Select); coding-DNA position 6339, T replaced by C.
Protein change: p.Asn2113=; no amino-acid change (asparagine 2113 retained).
Molecular consequence: synonymous variant.
Genome position (GRCh38, 1-based): chr18:46,483,589, A>G on the plus strand (T>C on the coding strand, the complement: LOXHD1 is on the minus strand). VCF-style: chr18-46483589-A-G. GRCh37 (hg19) VCF-style: chr18-44063552-A-G.
Other names: c.3006T>C, p.Asn1002= (NM_001145472.3); c.1056T>C, p.Asn352= (NM_001145473.3, NM_001173129.2); c.2718T>C, p.Asn906= (NM_001308013.2); c.6153T>C, p.Asn2051= (NM_144612.7).
Identifiers: ClinVar variation 47950 (VCV000047950.14), dbSNP rs181548456, ClinGen allele CA142243.

ClinVar aggregate classification (germline): Benign/Likely benign. Review status: criteria provided, multiple submitters, no conflicts (2 of 4 stars). 3 submissions from 3 submitters: Benign (1); Likely benign (2). Last evaluated 2025-12-23.

Allele frequency attached by ClinVar (database versions not stated): gnomAD exomes 0.00002 and 0.00022; gnomAD 0.00004; ExAC 0.00005; TOPMed 0.00007; 1000 Genomes Project 0.00020; 1000 Genomes Project 30x 0.00031.
gnomAD v4.1: 44 of 1,550,450 alleles (0.0028%); highest among the groups gnomAD compares: East Asian, 0.083%; no homozygotes.

Submissions (3):

Labcorp Genetics (formerly Invitae), Labcorp
Classification: Benign. Last evaluated: 2025-12-23. Review status: criteria provided, single submitter. Criteria: Invitae Variant Classification Sherloc (09022015). Collection method: clinical testing. Allele origin: germline.

Women's Health and Genetics/Laboratory Corporation of America, LabCorp
Classification: Likely benign. Last evaluated: 2023-10-23. Review status: criteria provided, single submitter. Criteria: LabCorp Variant Classification Summary - May 2015. Collection method: clinical testing. Allele origin: germline.
Comment: Variant summary: LOXHD1 c.6153T>C (p.Asn2051Asn) alters a conserved nucleotide located close to a canonical splice site and therefore could affect mRNA splicing, leading to a significantly altered protein sequence. Consensus agreement among computation tools predict no significant impact on normal splicing. However, these predictions have yet to be confirmed by functional studies. The variant allele was found at a frequency of 0.00022 in 156322 control chromosomes, predominantly at a frequency of 0.0032 within the East Asian subpopulation in the gnomAD database. The observed variant frequency within East Asian control individuals in the gnomAD database is approximately 2.86 fold of the estimated maximal expected allele frequency for a pathogenic variant in LOXHD1 causing Nonsyndromic Hearing Loss And Deafness, Type 77 phenotype (0.0011), strongly suggesting that the variant is a benign polymorphism found primarily in populations of East Asian origin. To our knowledge, no occurrence of c.6153T>C in individuals affected with Nonsyndromic Hearing Loss And Deafness, Type 77 and no experimental evidence demonstrating its impact on protein function have been reported. One submitter has cited clinical-significance assessments for this variant to ClinVar after 2014 and has classified the variant as benign. Based on the evidence outlined above, the variant was classified as likely benign.

Laboratory for Molecular Medicine, Mass General Brigham Personalized Medicine
Classification: Likely benign. Last evaluated: 2012-12-06. Review status: criteria provided, single submitter. Criteria: LMM Criteria. Collection method: clinical testing. Allele origin: germline. Observed: 1 variant allele.
Comment: Asn2051Asn in exon 39 of LOXHD1: This variant has been identified in 0.04% (1/21 78) of chromosomes a broad population by the 1000 Genomes Project (dbSNP rs18154 8456). It is not expected to have clinical significance because it does not alte r an amino acid residue and is not located within the splice consensus sequence.